The following is an entry in ClinVar:

ClinVar aggregate classification (germline): Pathogenic (1 of 4 stars; one submission).

Conditions:
Carey-Fineman-Ziter syndrome 1 (CFZS1). Also called: MYOPATHY, CONGENITAL NONPROGRESSIVE, WITH MOEBIUS SEQUENCE AND ROBIN SEQUENCE. Identifiers: MedGen C5676876, MONDO:0800437, OMIM 254940.

gnomAD v4.1: 29 of 1,614,018 alleles (0.0018%); highest among the groups gnomAD compares: Non-Finnish European, 0.0023%; no homozygotes.

Submission:

Variantyx, Inc.
Classification: Pathogenic for Carey-Fineman-Ziter syndrome 1. Last evaluated: 2025-03-12. Review status: criteria provided, single submitter. Criteria: Variantyx Assertion Criteria 2022. Collection method: clinical testing. Allele origin: germline. Affected: yes.
Comment: This is a nonsense variant in the MYMK gene (OMIM: 615345). Pathogenic variants in this gene have been associated with autosomal recessive Carey-Fineman-Ziter syndrome 1. This variant introduces a premature termination codon in exon 4 out of 5. It is expected to result in loss of function, which is a known disease mechanism for MYMK in this disorder (PVS1) (PMID:28681861). This variant has been identified in the homozygous or compound heterozygous state in previous internal cases (PM3). This variant has a 0.0023% maximum allele frequency in non-founder control populations (PM2_Supporting). Based on the current evidence, this variant is classified as pathogenic for autosomal recessive Carey-Fineman-Ziter syndrome 1.

NM_001080483.3(MYMK):c.457C>T (p.Gln153Ter)

Gene: MYMK (myomaker, myoblast fusion factor; minus strand). Cytogenetic location: 9q34.2.
Variant type: single nucleotide variant.
Coding change: c.457C>T on transcript NM_001080483.3 (MANE Select); coding-DNA position 457, C replaced by T.
Protein change: p.Gln153Ter; replaces glutamine 153 with a stop codon.
Molecular consequence: nonsense.
Genome position (GRCh38, 1-based): chr9:133,515,550, G>A on the plus strand (C>T on the coding strand, the complement: MYMK is on the minus strand). VCF-style: chr9-133515550-G-A. GRCh37 (hg19) VCF-style: chr9-136380672-G-A.
Other names: short protein forms Q153*.
Identifiers: ClinVar variation 4759237 (VCV004759237.1).